The following is an entry in ClinVar:

ClinVar aggregate classification (germline): Benign/Likely benign. Review status: criteria provided, multiple submitters, no conflicts (2 of 4 stars). 7 submissions from 7 submitters: Benign (2); Likely benign (4). 1 of the submissions does not count toward it. Last evaluated 2026-02-01.

Conditions:
DISP1-related disorder. Also called: DISP1-related condition.

Allele frequency attached by ClinVar (database versions not stated): gnomAD exomes 0.00669 and 0.00601; 1000 Genomes Project 30x 0.00125; 1000 Genomes Project 0.00140; TOPMed 0.00501; gnomAD 0.00507 and 0.00523; ESP Exome Variant Server 0.00546; ExAC 0.00620.

Submissions (7):

Labcorp Genetics (formerly Invitae), Labcorp
Classification: Benign. Last evaluated: 2026-02-01. Review status: criteria provided, single submitter. Criteria: Invitae Variant Classification Sherloc (09022015). Collection method: clinical testing. Allele origin: germline.

Genomic Medicine Center of Excellence, King Faisal Specialist Hospital and Research Centre
Classification: Likely benign. Last evaluated: 2025-08-18. Review status: criteria provided, single submitter. Criteria: ACMG Guidelines, 2015. Collection method: clinical testing. Allele origin: germline.

CeGaT Center for Human Genetics Tuebingen
Classification: Likely benign. Last evaluated: 2024-07-01. Review status: criteria provided, single submitter. Criteria: CeGaT Center For Human Genetics Tuebingen Variant Classification Criteria Version 2. Collection method: clinical testing. Allele origin: germline. Affected: yes. Observed: 3 variant alleles.
Comment: DISP1: PM1, PP1, BS1

ARUP Laboratories, Molecular Genetics and Genomics, ARUP Laboratories
Classification: Likely benign. Last evaluated: 2023-11-22. Review status: criteria provided, single submitter. Criteria: ARUP Molecular Germline Variant Investigation Process 2024. Collection method: clinical testing. Allele origin: germline.

GeneDx
Classification: Benign. Last evaluated: 2020-02-11. Review status: criteria provided, single submitter. Criteria: GeneDx Variant Classification Process June 2021. Collection method: clinical testing. Allele origin: germline. Affected: yes.
Comment: This variant is associated with the following publications: (PMID: 20799323, 28146470, 26748417, 30852081)

Breakthrough Genomics
Classification: Likely benign. Review status: criteria provided, single submitter. Criteria: ACMG Guidelines, 2015. Collection method: not provided. Allele origin: germline. Inheritance: Unknown mechanism. Affected: yes.

PreventionGenetics, part of Exact Sciences
Classification: Benign for DISP1-related condition. Last evaluated: 2021-03-11. Review status: no assertion criteria provided. Collection method: clinical testing. Allele origin: germline. Not counted in ClinVar's aggregate classification.
Comment: This variant is classified as benign based on ACMG/AMP sequence variant interpretation guidelines (Richards et al. 2015 PMID: 25741868, with internal and published modifications).

NM_001377229.1(DISP1):c.3287T>C (p.Met1096Thr)

Gene: DISP1 (dispatched RND transporter family member 1; plus strand). Cytogenetic location: 1q41.
Variant type: single nucleotide variant.
Coding change: c.3287T>C on transcript NM_001377229.1 (MANE Select); coding-DNA position 3287, T replaced by C.
Protein change: p.Met1096Thr; replaces methionine 1096 with threonine.
Molecular consequence: missense variant.
Genome position (GRCh38, 1-based): chr1:223,004,684, T>C. VCF-style: chr1-223004684-T-C. GRCh37 (hg19) VCF-style: chr1-223178026-T-C.
Other names: c.2558T>C, p.Met853Thr (NM_001350630.2); c.3287T>C, p.Met1096Thr (NM_001369594.1, NM_001377228.1, NM_032890.5); short protein forms M1096T, M853T.
Identifiers: ClinVar variation 711058 (VCV000711058.47), dbSNP rs144673025, ClinGen allele CA1409387.